The following is an entry in ClinVar:

ClinVar aggregate classification (germline): Uncertain significance. Review status: criteria provided, multiple submitters, no conflicts (2 of 4 stars). 2 submissions from 2 submitters: Uncertain significance (2). Last evaluated 2024-11-03.

Conditions:
RDH12-related disorder. Also called: RDH12-related disorders; RDH12-related condition.
Leber congenital amaurosis 13 (LCA13). Identifiers: MedGen C2675186, MONDO:0012990, OMIM 612712.

Allele frequency attached by ClinVar (database versions not stated): gnomAD exomes below 0.00001; gnomAD 0.00003; TOPMed 0.00003.
gnomAD v4.1: 7 of 1,612,612 alleles (0.00043%); highest among the groups gnomAD compares: African/African-American, 0.0093%; no homozygotes.

Submissions (2):

PreventionGenetics, part of Exact Sciences
Classification: Uncertain significance for RDH12-related condition. Last evaluated: 2024-11-03. Review status: criteria provided, single submitter. Criteria: ACMG Guidelines, 2015. Collection method: clinical testing. Allele origin: germline.
Comment: The RDH12 c.647A>G variant is predicted to result in the amino acid substitution p.Lys216Arg. To our knowledge, this variant has not been reported in the literature or in a large population database (gnomAD), indicating this variant is rare. At this time, the clinical significance of this variant is uncertain due to the absence of conclusive functional and genetic evidence.

Labcorp Genetics (formerly Invitae), Labcorp
Classification: Uncertain significance for Leber congenital amaurosis 13. Last evaluated: 2024-04-05. Review status: criteria provided, single submitter. Criteria: Invitae Variant Classification Sherloc (09022015). Collection method: clinical testing. Allele origin: germline.
Comment: This sequence change replaces lysine, which is basic and polar, with arginine, which is basic and polar, at codon 216 of the RDH12 protein (p.Lys216Arg). This variant is not present in population databases (gnomAD no frequency). This variant has not been reported in the literature in individuals affected with RDH12-related conditions. ClinVar contains an entry for this variant (Variation ID: 2421119). Advanced modeling of protein sequence and biophysical properties (such as structural, functional, and spatial information, amino acid conservation, physicochemical variation, residue mobility, and thermodynamic stability) performed at Invitae indicates that this missense variant is not expected to disrupt RDH12 protein function with a negative predictive value of 80%. In summary, the available evidence is currently insufficient to determine the role of this variant in disease. Therefore, it has been classified as a Variant of Uncertain Significance.

NM_152443.3(RDH12):c.647A>G (p.Lys216Arg)

Genes: GPHN (gephyrin; plus strand), RDH12 (retinol dehydrogenase 12; plus strand). Cytogenetic location: 14q24.1.
Variant type: single nucleotide variant.
Coding change: c.647A>G on transcript NM_152443.3 (MANE Select); coding-DNA position 647, A replaced by G.
Protein change: p.Lys216Arg; replaces lysine 216 with arginine.
Molecular consequence: missense variant.
Genome position (GRCh38, 1-based): chr14:67,727,179, A>G. VCF-style: chr14-67727179-A-G. GRCh37 (hg19) VCF-style: chr14-68193896-A-G.
Other names: c.647A>G (NM_152443.2); short protein forms K216R.
Identifiers: ClinVar variation 2421119 (VCV002421119.5), dbSNP rs891125540, ClinGen allele CA262809316.